The following is an entry in ClinVar:

NM_001365536.1(SCN9A):c.5460A>C (p.Lys1820Asn)

Genes: SCN9A (sodium voltage-gated channel alpha subunit 9; minus strand), SCN1A-AS1 (SCN1A and SCN9A antisense RNA 1; plus strand). Cytogenetic location: 2q24.3.
Variant type: single nucleotide variant.
Coding change: c.5460A>C on transcript NM_001365536.1 (MANE Select); coding-DNA position 5460, A replaced by C.
Protein change: p.Lys1820Asn; replaces lysine 1820 with asparagine.
Molecular consequence: missense variant.
Genome position (GRCh38, 1-based): chr2:166,199,179, T>G on the plus strand (A>C on the coding strand, the complement: SCN9A is on the minus strand). VCF-style: chr2-166199179-T-G. GRCh37 (hg19) VCF-style: chr2-167055689-T-G.
Other names: c.5427A>C, p.Lys1809Asn (NM_002977.4); short protein forms K1809N, K1820N.
Identifiers: ClinVar variation 3762202 (VCV003762202.2).

ClinVar aggregate classification (germline): Uncertain significance (1 of 4 stars; one submission).

Conditions:
Neuropathy, hereditary sensory and autonomic, type 2A (HSAN2A). Also called: HSAN IIA; ACROOSTEOLYSIS, GIACCAI TYPE; ACROOSTEOLYSIS, NEUROGENIC; MORVAN DISEASE; NEUROPATHY, CONGENITAL SENSORY; NEUROPATHY, HEREDITARY SENSORY RADICULAR, AUTOSOMAL RECESSIVE. Identifiers: Orphanet 970, MedGen C2752089, MONDO:0024309, OMIM 201300.
Generalized epilepsy with febrile seizures plus, type 7 (GEFSP7). Also called: GEFS+, TYPE 7. Identifiers: Orphanet 36387, MedGen C2751778, MONDO:0013470, OMIM 613863.

gnomAD v4.1: 1 of 1,614,066 alleles (0.000062%); highest among the groups gnomAD compares: African/African-American, 0.0013%; no homozygotes.

Submission:

Labcorp Genetics (formerly Invitae), Labcorp
Classification: Uncertain significance for Neuropathy, hereditary sensory and autonomic, type 2A; Generalized epilepsy with febrile seizures plus, type 7. Last evaluated: 2024-03-03. Review status: criteria provided, single submitter. Criteria: Invitae Variant Classification Sherloc (09022015). Collection method: clinical testing. Allele origin: germline.
Comment: This sequence change replaces lysine, which is basic and polar, with asparagine, which is neutral and polar, at codon 1809 of the SCN9A protein (p.Lys1809Asn). This variant is not present in population databases (gnomAD no frequency). This variant has not been reported in the literature in individuals affected with SCN9A-related conditions. Advanced modeling of protein sequence and biophysical properties (such as structural, functional, and spatial information, amino acid conservation, physicochemical variation, residue mobility, and thermodynamic stability) performed at Invitae indicates that this missense variant is not expected to disrupt SCN9A protein function with a negative predictive value of 95%. In summary, the available evidence is currently insufficient to determine the role of this variant in disease. Therefore, it has been classified as a Variant of Uncertain Significance.